The following is an entry in ClinVar:

ClinVar aggregate classification (germline): Likely benign. Review status: criteria provided, multiple submitters, no conflicts (2 of 4 stars). 2 submissions from 2 submitters: Likely benign (2). Last evaluated 2025-11-03.

Conditions:
Primary familial hypertrophic cardiomyopathy (HCM). Identifiers: Orphanet 99739, MedGen C0949658, MeSH D024741, MONDO:0024573. Inheritance: Various modes of inheritance.

Allele frequency attached by ClinVar (database versions not stated): gnomAD exomes 0.00001; gnomAD 0.00002 and 0.00003; TOPMed 0.00002.
gnomAD v4.1: 13 of 1,614,100 alleles (0.00081%); highest among the groups gnomAD compares: African/African-American, 0.0013%; no homozygotes.

Submissions (2):

Labcorp Genetics (formerly Invitae), Labcorp
Classification: Likely benign for Primary familial hypertrophic cardiomyopathy. Last evaluated: 2025-11-03. Review status: criteria provided, single submitter. Criteria: Invitae Variant Classification Sherloc (09022015). Collection method: clinical testing. Allele origin: germline.

GeneDx
Classification: Likely benign. Last evaluated: 2018-01-16. Review status: criteria provided, single submitter. Criteria: GeneDx Variant Classification (06012015). Collection method: clinical testing. Allele origin: germline. Affected: yes.
Comment: This variant is considered likely benign or benign based on one or more of the following criteria: it is a conservative change, it occurs at a poorly conserved position in the protein, it is predicted to be benign by multiple in silico algorithms, and/or has population frequency not consistent with disease.

NM_004517.4(ILK):c.1079-8C>T

Genes: TAF10 (TATA-box binding protein associated factor 10; minus strand), ILK (integrin linked kinase; plus strand). Cytogenetic location: 11p15.4.
Variant type: single nucleotide variant.
Coding change: c.1079-8C>T on transcript NM_004517.4 (MANE Select); 8 bases into the intron before coding-DNA position 1079, C replaced by T.
Molecular consequence: intron variant. On other transcripts: 3 prime UTR variant (1).
Genome position (GRCh38, 1-based): chr11:6,610,140, C>T. VCF-style: chr11-6610140-C-T. GRCh37 (hg19) VCF-style: chr11-6631371-C-T.
Other names: c.*782G>A (NM_006284.4); c.1079-8C>T (NM_001014795.3, NM_001014794.3); c.896-8C>T (NM_001278441.2); c.677-8C>T (NM_001278442.2).
Identifiers: ClinVar variation 506519 (VCV000506519.9), dbSNP rs972559469, ClinGen allele CA217315943.